The following is an entry in ClinVar:

ClinVar aggregate classification (germline): Uncertain significance (1 of 4 stars; one submission).

Conditions:
Hereditary cancer-predisposing syndrome. Also called: Hereditary Cancer Syndrome; Hereditary neoplastic syndrome; Neoplastic Syndromes, Hereditary; Tumor predisposition. Identifiers: Orphanet 140162, MedGen C0027672, MeSH D009386, MONDO:0015356.

Submission:

Ambry Genetics
Classification: Uncertain significance for Hereditary cancer-predisposing syndrome. Last evaluated: 2021-10-05. Review status: criteria provided, single submitter. Criteria: Ambry Variant Classification Scheme 2023. Collection method: clinical testing. Allele origin: germline.
Comment: The p.M435R variant (also known as c.1304T>G), located in coding exon 14 of the CDC73 gene, results from a T to G substitution at nucleotide position 1304. The methionine at codon 435 is replaced by arginine, an amino acid with similar properties. This amino acid position is not well conserved in available vertebrate species. In addition, this alteration is predicted to be tolerated by in silico analysis. Since supporting evidence is limited at this time, the clinical significance of this alteration remains unclear.

NM_024529.5(CDC73):c.1304T>G (p.Met435Arg)

Gene: CDC73 (cell division cycle 73; plus strand). Cytogenetic location: 1q31.2.
Variant type: single nucleotide variant.
Coding change: c.1304T>G on transcript NM_024529.5 (MANE Select); coding-DNA position 1304, T replaced by G.
Protein change: p.Met435Arg; replaces methionine 435 with arginine.
Molecular consequence: missense variant.
Genome position (GRCh38, 1-based): chr1:193,233,142, T>G. VCF-style: chr1-193233142-T-G. GRCh37 (hg19) VCF-style: chr1-193202272-T-G.
Other names: short protein forms M435R.
Identifiers: ClinVar variation 1769487 (VCV001769487.2), dbSNP rs202209013, ClinGen allele CA344078046.